The following is an entry in ClinVar:

NM_007289.4(MME):c.425C>T (p.Ser142Phe)

Gene: MME (membrane metalloendopeptidase; plus strand). Cytogenetic location: 3q25.2.
Variant type: single nucleotide variant.
Coding change: c.425C>T on transcript NM_007289.4 (MANE Select); coding-DNA position 425, C replaced by T.
Protein change: p.Ser142Phe; replaces serine 142 with phenylalanine.
Molecular consequence: missense variant.
Genome position (GRCh38, 1-based): chr3:155,116,545, C>T. VCF-style: chr3-155116545-C-T. GRCh37 (hg19) VCF-style: chr3-154834334-C-T.
Other names: c.425C>T, p.Ser142Phe (NM_000902.5, NM_001354642.2, NM_001354643.1 and 2 more transcripts); short protein forms S142F.
Identifiers: ClinVar variation 4891460 (VCV004891460.1).

ClinVar aggregate classification (germline): Uncertain significance (1 of 4 stars; one submission).

Submission:

GeneDx
Classification: Uncertain significance. Last evaluated: 2026-03-11. Review status: criteria provided, single submitter. Criteria: GeneDx Variant Classification Process June 2021. Collection method: clinical testing. Allele origin: germline.
Comment: Reported in a cohort of pulmonary arterial hypertension-congenital heart disease (PAH-CHD) patients; however, clinical information was not provided (PMID: 30029678); In silico analysis supports that this missense variant has a deleterious effect on protein structure/function; Not observed at significant frequency in large population cohorts (gnomAD); This variant is associated with the following publications: (PMID: 30029678)